The following is an entry in ClinVar:

ClinVar aggregate classification (germline): Uncertain significance. Review status: criteria provided, multiple submitters, no conflicts (2 of 4 stars). 2 submissions from 2 submitters: Uncertain significance (2). Last evaluated 2024-06-27.

Conditions:
Episodic ataxia type 2 (EA2). Also called: ATAXIA, EPISODIC, WITH NYSTAGMUS; ATAXIA, FAMILIAL PAROXYSMAL; CEREBELLAR ATAXIA, PAROXYSMAL, ACETAZOLAMIDE-RESPONSIVE; CEREBELLOPATHY, HEREDITARY PAROXYSMAL; EPISODIC ATAXIA, NYSTAGMUS-ASSOCIATED; ACETAZOLAMIDE-RESPONSIVE HEREDITARY PAROXYSMAL CEREBELLAR ATAXIA. Identifiers: Orphanet 97, MedGen C1720416, MONDO:0007163, OMIM 108500.
Developmental and epileptic encephalopathy, 42 (DEE42A). Also called: Epileptic encephalopathy, early infantile, 42; DEVELOPMENTAL AND EPILEPTIC ENCEPHALOPATHY 42A; EPILEPTIC ENCEPHALOPATHY, EARLY INFANTILE, 42A. Identifiers: MedGen C4310716, MONDO:0014917, OMIM 617106.

Submissions (2):

GeneDx
Classification: Uncertain significance. Last evaluated: 2024-06-27. Review status: criteria provided, single submitter. Criteria: GeneDx Variant Classification Process June 2021. Collection method: clinical testing. Allele origin: germline. Affected: yes.
Comment: Not observed at significant frequency in large population cohorts (gnomAD); In silico analysis supports that this missense variant has a deleterious effect on protein structure/function; Has not been previously published as pathogenic or benign to our knowledge

Labcorp Genetics (formerly Invitae), Labcorp
Classification: Uncertain significance for Developmental and epileptic encephalopathy, 42; Episodic ataxia type 2. Last evaluated: 2024-05-29. Review status: criteria provided, single submitter. Criteria: Invitae Variant Classification Sherloc (09022015). Collection method: clinical testing. Allele origin: germline.
Comment: This sequence change replaces arginine, which is basic and polar, with cysteine, which is neutral and slightly polar, at codon 477 of the CACNA1A protein (p.Arg477Cys). This variant is not present in population databases (gnomAD no frequency). This variant has not been reported in the literature in individuals affected with CACNA1A-related conditions. ClinVar contains an entry for this variant (Variation ID: 1431828). Advanced modeling of protein sequence and biophysical properties (such as structural, functional, and spatial information, amino acid conservation, physicochemical variation, residue mobility, and thermodynamic stability) performed at Invitae indicates that this missense variant is expected to disrupt CACNA1A protein function with a positive predictive value of 95%. In summary, the available evidence is currently insufficient to determine the role of this variant in disease. Therefore, it has been classified as a Variant of Uncertain Significance.

NM_001127222.2(CACNA1A):c.1426C>T (p.Arg476Cys)

Gene: CACNA1A (calcium voltage-gated channel subunit alpha1 A; minus strand). Cytogenetic location: 19p13.13.
Variant type: single nucleotide variant.
Coding change: c.1426C>T on transcript NM_001127222.2 (MANE Select); coding-DNA position 1426, C replaced by T.
Protein change: p.Arg476Cys; replaces arginine 476 with cysteine.
Molecular consequence: missense variant.
Genome position (GRCh38, 1-based): chr19:13,317,241, G>A on the plus strand (C>T on the coding strand, the complement: CACNA1A is on the minus strand). VCF-style: chr19-13317241-G-A. GRCh37 (hg19) VCF-style: chr19-13428055-G-A.
Other names: c.1429C>T, p.Arg477Cys (NM_000068.4, NM_001127221.2, NM_001174080.2 and 1 more transcripts); c.1429C>T (NM_001127221.1); short protein forms R476C, R477C.
Identifiers: ClinVar variation 1431828 (VCV001431828.7), dbSNP rs2145051308, ClinGen allele CA404345833.
Genomic context (GRCh38, chr19:13,317,241, plus strand): 5'-CCAAACTGAGTACAGTCCAGTAGAAGGCCTGAGTTTTGACCATGCGGCGGATGTAGAAAC[G>A]CATCCTCCTCTCCTTTTTGTGAAAAAAGGTCGAGTTCTCCAGCTTGGCACTTTTAATGCT-3'
Protein context (NP_001120694.1, residues 466-486): TFFHKKERRM[Arg476Cys]FYIRRMVKTQ